The following is an entry in ClinVar:

NM_001849.4(COL6A2):c.2746C>T (p.His916Tyr)

Gene: COL6A2 (collagen type VI alpha 2 chain; plus strand). Cytogenetic location: 21q22.3.
Variant type: single nucleotide variant.
Coding change: c.2746C>T on transcript NM_001849.4 (MANE Select); coding-DNA position 2746, C replaced by T.
Protein change: p.His916Tyr; replaces histidine 916 with tyrosine.
Molecular consequence: missense variant.
Genome position (GRCh38, 1-based): chr21:46,132,238, C>T. VCF-style: chr21-46132238-C-T. GRCh37 (hg19) VCF-style: chr21-47552152-C-T.
Other names: short protein forms H916Y.
Identifiers: ClinVar variation 1433524 (VCV001433524.6), dbSNP rs2123455277, ClinGen allele CA410549477.

ClinVar aggregate classification (germline): Uncertain significance (1 of 4 stars; one submission).

Conditions:
Bethlem myopathy 1A. Also called: MYOPATHY, BENIGN CONGENITAL, WITH CONTRACTURES; Bethlem Muscular Dystrophy; Bethlem myopathy 1. Identifiers: Orphanet 610, MedGen CN029274, MONDO:0024530, OMIM 158810.

Allele frequency attached by ClinVar (database versions not stated): gnomAD exomes 0.00001.
gnomAD v4.1: 5 of 1,601,624 alleles (0.00031%); highest among the groups gnomAD compares: Non-Finnish European, 0.00043%; no homozygotes.

Submission:

Labcorp Genetics (formerly Invitae), Labcorp
Classification: Uncertain significance for Bethlem myopathy 1A. Last evaluated: 2025-11-19. Review status: criteria provided, single submitter. Criteria: Invitae Variant Classification Sherloc (09022015). Collection method: clinical testing. Allele origin: germline.
Comment: This sequence change replaces histidine, which is basic and polar, with tyrosine, which is neutral and polar, at codon 916 of the COL6A2 protein (p.His916Tyr). This variant is not present in population databases (gnomAD no frequency). This variant has not been reported in the literature in individuals affected with COL6A2-related conditions. ClinVar contains an entry for this variant (Variation ID: 1433524). Invitae Evidence Modeling of protein sequence and biophysical properties (such as structural, functional, and spatial information, amino acid conservation, physicochemical variation, residue mobility, and thermodynamic stability) indicates that this missense variant is not expected to disrupt COL6A2 protein function with a negative predictive value of 80%. In summary, the available evidence is currently insufficient to determine the role of this variant in disease. Therefore, it has been classified as a Variant of Uncertain Significance.